The following is an entry in ClinVar:

NM_003107.3(SOX4):c.1040C>A (p.Ser347Ter)

Gene: SOX4 (SRY-box transcription factor 4; plus strand). Cytogenetic location: 6p22.3.
Variant type: single nucleotide variant.
Coding change: c.1040C>A on transcript NM_003107.3 (MANE Select); coding-DNA position 1040, C replaced by A.
Protein change: p.Ser347Ter; replaces serine 347 with a stop codon.
Molecular consequence: nonsense.
Genome position (GRCh38, 1-based): chr6:21,595,574, C>A. VCF-style: chr6-21595574-C-A. GRCh37 (hg19) VCF-style: chr6-21595805-C-A.
Other names: p.S347*; short protein forms S347*.
Identifiers: ClinVar variation 1220547 (VCV001220547.4), dbSNP rs2113558441, ClinGen allele CA363271826.

ClinVar aggregate classification (germline): Pathogenic/Likely pathogenic. Review status: criteria provided, multiple submitters, no conflicts (2 of 4 stars). 2 submissions from 2 submitters: Pathogenic (1); Likely pathogenic (1). Last evaluated 2024-10-10.

Conditions:
Coffin-Siris syndrome 10. Also called: INTELLECTUAL DEVELOPMENTAL DISORDER WITH SPEECH DELAY AND DYSMORPHIC FACIES. Identifiers: MedGen C4760583, MONDO:0032791, OMIM 618506.

Submissions (2):

Victorian Clinical Genetics Services, Murdoch Childrens Research Institute
Classification: Pathogenic for Coffin-Siris syndrome 10. Last evaluated: 2024-10-10. Review status: criteria provided, single submitter. Criteria: ACMG Guidelines, 2015. Collection method: clinical testing. Allele origin: germline. Inheritance: Autosomal dominant inheritance. Affected: yes.
Comment: Based on the classification scheme VCGS_Germline_v1.3.5, this variant is classified as Pathogenic. Following criteria are met: 0104 - Dominant negative is a suggested mechanism of disease in this gene and is associated with Coffin-Siris syndrome 10 (MIM#618506). Functional studies in transfected cells expressing both wild type and variant protein showed a significant reduction in wild type protein activity (PMID: 35232796). Other functional studies have suggested that loss of function may also be a mechanism of disease (PMID: 35232796). (I) 0107 - This gene is associated with autosomal dominant disease. (I) 0205 - Variant is predicted to result in a truncated protein (premature termination codon is NOT located at least 54 nucleotides upstream of the final exon-exon junction) with less than 1/3 of the protein sequence affected. (SP) 0251 - This variant is heterozygous. (I) 0301 - Variant is absent from gnomAD (v2, v3 and v4). (SP) 0600 - Variant is predicted to truncate all of the C-terminal transactivation domain (PMID: 35232796). (I) 0702 - Other protein truncating variants comparable to the one identified in this case have strong previous evidence for pathogenicity. Two downstream truncating variants, p.(Glu415*) and p.(Glu445*), have been classified as likely pathogenic/pathogenic and have been observed in individuals with syndromic intellectual disability, one of whom is confirmed de novo and the other likely inherited the variant from a mosaic father (DECIPHER, PMID: 35232796). Other downstream truncating variants, p.(Ser390Profs*18), p.(Ser395*) and p.(Pro349alafs*68), have been classified as VUS, the latter was described as de novo in a fetus with omphalocele, abnormality of the adrenal glands and hyperechogenic kidneys (ClinVar, PMID: 36307859). (SP) 0802 - This variant has moderate previous evidence of pathogenicity in unrelated individuals. This variant has been reported in a de novo individual with syndromic intellectual disability and has been classified as likely pathogenic (ClinVar, PMID: 35232796). (SP) 0905 - No published segregation evidence has been identified for this variant. (I) 1007 - No published functional evidence has been identified for this variant. (SP) Legend: (SP) - Supporting pathogenic, (I) - Information, (SB) - Supporting benign

Undiagnosed Diseases Network, NIH
Classification: Likely pathogenic for Coffin-Siris syndrome 10. Last evaluated: 2021-06-18. Review status: criteria provided, single submitter. Criteria: ACMG Guidelines, 2015. Collection method: clinical testing. Allele origin: de novo. Inheritance: Autosomal dominant inheritance. Affected: yes. Observed: 1 variant allele, 1 heterozygote. Study: Undiagnosed Diseases Network (NIH), UDN.

Literature cited by the submitters: PubMed 35232796 (cited by Victorian Clinical Genetics Services, Murdoch Childrens Research Institute); PubMed 36307859 (cited by Victorian Clinical Genetics Services, Murdoch Childrens Research Institute).